The following is an entry in ClinVar:

ClinVar aggregate classification (germline): Uncertain significance (1 of 4 stars; one submission).

Conditions:
Hereditary spastic paraplegia 39 (SPG39). Also called: Spastic Paraplegia Type 39 (SPG39); SPASTIC PARAPLEGIA 39, AUTOSOMAL RECESSIVE. Identifiers: Orphanet 139480, MedGen C2677586, MONDO:0012787, OMIM 612020.

Submission:

Labcorp Genetics (formerly Invitae), Labcorp
Classification: Uncertain significance for Hereditary spastic paraplegia 39. Last evaluated: 2021-10-16. Review status: criteria provided, single submitter. Criteria: Invitae Variant Classification Sherloc (09022015). Collection method: clinical testing. Allele origin: germline.
Comment: This sequence change replaces arginine with cysteine at codon 161 of the PNPLA6 protein (p.Arg161Cys). The arginine residue is moderately conserved and there is a large physicochemical difference between arginine and cysteine. This variant is not present in population databases (ExAC no frequency). This variant has not been reported in the literature in individuals affected with PNPLA6-related conditions. In summary, the available evidence is currently insufficient to determine the role of this variant in disease. Therefore, it has been classified as a Variant of Uncertain Significance. Algorithms developed to predict the effect of missense changes on protein structure and function (SIFT, PolyPhen-2, Align-GVGD) all suggest that this variant is likely to be disruptive.

NM_001166114.2(PNPLA6):c.598C>T (p.Arg200Cys)

Gene: PNPLA6 (patatin like domain 6, lysophospholipase; plus strand). Cytogenetic location: 19p13.2.
Variant type: single nucleotide variant.
Coding change: c.598C>T on transcript NM_001166114.2 (MANE Select); coding-DNA position 598, C replaced by T.
Protein change: p.Arg200Cys; replaces arginine 200 with cysteine.
Molecular consequence: missense variant.
Genome position (GRCh38, 1-based): chr19:7,540,192, C>T. VCF-style: chr19-7540192-C-T. GRCh37 (hg19) VCF-style: chr19-7605078-C-T.
Other names: c.625C>T, p.Arg209Cys (NM_001166111.2); c.481C>T, p.Arg161Cys (NM_001166112.2, NM_001166113.1, NM_006702.5); short protein forms R200C, R161C, R209C.
Identifiers: ClinVar variation 1525179 (VCV001525179.6), dbSNP rs2146050796, ClinGen allele CA403103757.
Genomic context (GRCh38, chr19:7,540,192, plus strand): 5'-CACCGCCTGTCCAACAGGGTGCTGGGCCACTTCGAGAAGCCACTCTTCCTGGAGCTCTGC[C>T]GCCACATGGTCTTCCAGCGGCTGGGCCAGGGTGACTACGTCTTCCGGCCGGGCCAGCCAG-3'
Protein context (NP_001159586.1, residues 190-210): FEKPLFLELC[Arg200Cys]HMVFQRLGQG